The following is an entry in ClinVar:

NM_001201543.2(FAM161A):c.1491del (p.Pro498fs)

Gene: FAM161A (FAM161 centrosomal protein A; minus strand). Cytogenetic location: 2p15.
Variant type: Deletion.
Coding change: c.1491del on transcript NM_001201543.2 (MANE Select); coding-DNA position 1491, one base deleted (A; older notation c.1491delA).
Protein change: p.Pro498fs; shifts the reading frame from proline 498.
Molecular consequence: frameshift variant. On other transcripts: non-coding transcript variant (1).
Genome position (GRCh38, 1-based): chr2:61,839,513, T deleted on the plus strand (A on the coding strand, the reverse complement: FAM161A is on the minus strand). VCF-style (leftmost placement, unchanged base first): chr2-61839512-GT-G. GRCh37 (hg19) VCF-style: chr2-62066647-GT-G.
Other names: c.1491del, p.Pro498fs (NM_032180.3); short protein forms P498fs.
Identifiers: ClinVar variation 4814687 (VCV004814687.1).

ClinVar aggregate classification (germline): Likely pathogenic (1 of 4 stars; one submission).

Conditions:
Retinitis pigmentosa 28 (RP28). Identifiers: Orphanet 791, MedGen C1419614, MONDO:0011630, OMIM 606068.

Submission:

Natera, Inc.
Classification: Likely pathogenic for Retinitis pigmentosa type 28. Last evaluated: 2025-10-06. Review status: criteria provided, single submitter. Criteria: Natera Variant Classification Schema (03/2026). Collection method: clinical testing. Allele origin: germline.
Comment: The c.1491del variant in FAM161A is a frameshift variant predicted to shift the reading frame beginning at codon 498 and leads to a stop codon 2 codons downstream. This variant is expected to result in nonsense mediated decay, truncation, or a dysfunctional protein product. This variant is rare in the general population with a frequency below the threshold expected for the associated phenotype(s). Given the available evidence, this variant is classified as Likely Pathogenic.